The following is an entry in ClinVar:

ClinVar aggregate classification (germline): Uncertain significance. Review status: criteria provided, multiple submitters, no conflicts (2 of 4 stars). 4 submissions from 4 submitters: Uncertain significance (4). Last evaluated 2026-05-11.

Conditions:
Dilated cardiomyopathy 1DD (CMD1DD). Identifiers: Orphanet 154, MedGen C2750995, MONDO:0013168, OMIM 613172.
Cardiovascular phenotype. Identifiers: MedGen CN230736.

Allele frequency attached by ClinVar (database versions not stated): TOPMed below 0.00001; gnomAD 0.00001.
gnomAD v4.1: 4 of 1,551,332 alleles (0.00026%); highest among the groups gnomAD compares: South Asian, 0.0012%; no homozygotes.

Submissions (4):

Ambry Genetics
Classification: Uncertain significance for Cardiovascular phenotype. Last evaluated: 2026-05-11. Review status: criteria provided, single submitter. Criteria: Ambry Variant Classification Scheme 2023. Collection method: clinical testing. Allele origin: germline.

Labcorp Genetics (formerly Invitae), Labcorp
Classification: Uncertain significance for Dilated cardiomyopathy 1DD. Last evaluated: 2025-12-13. Review status: criteria provided, single submitter. Criteria: Invitae Variant Classification Sherloc (09022015). Collection method: clinical testing. Allele origin: germline.
Comment: This sequence change replaces arginine, which is basic and polar, with tryptophan, which is neutral and slightly polar, at codon 619 of the RBM20 protein (p.Arg619Trp). This variant is not present in population databases (gnomAD no frequency). This variant has not been reported in the literature in individuals affected with RBM20-related conditions. ClinVar contains an entry for this variant (Variation ID: 1995050). Invitae Evidence Modeling of protein sequence and biophysical properties (such as structural, functional, and spatial information, amino acid conservation, physicochemical variation, residue mobility, and thermodynamic stability) has been performed for this missense variant. However, the output from this modeling did not meet the statistical confidence thresholds required to predict the impact of this variant on RBM20 protein function. In summary, the available evidence is currently insufficient to determine the role of this variant in disease. Therefore, it has been classified as a Variant of Uncertain Significance.

GeneDx
Classification: Uncertain significance. Last evaluated: 2025-06-10. Review status: criteria provided, single submitter. Criteria: GeneDx Variant Classification Process June 2021. Collection method: clinical testing. Allele origin: germline. Affected: yes.
Comment: Not observed at significant frequency in large population cohorts (gnomAD); In silico analysis supports that this missense variant has a deleterious effect on protein structure/function; Has not been previously published as pathogenic or benign to our knowledge

Laboratorio de Genetica e Diagnostico Molecular, Hospital Israelita Albert Einstein
Classification: Uncertain significance for Dilated cardiomyopathy 1DD. Last evaluated: 2024-08-23. Review status: criteria provided, single submitter. Criteria: ACMG Guidelines, 2015. Collection method: clinical testing. Allele origin: germline. Affected: yes.
Comment: ACMG classification criteria: PM2 supporting, PP3 supporting

NM_001134363.3(RBM20):c.1855A>T (p.Arg619Trp)

Gene: RBM20 (RNA binding motif protein 20; plus strand). Cytogenetic location: 10q25.2.
Variant type: single nucleotide variant.
Coding change: c.1855A>T on transcript NM_001134363.3 (MANE Select); coding-DNA position 1855, A replaced by T.
Protein change: p.Arg619Trp; replaces arginine 619 with tryptophan.
Molecular consequence: missense variant.
Genome position (GRCh38, 1-based): chr10:110,810,437, A>T. VCF-style: chr10-110810437-A-T. GRCh37 (hg19) VCF-style: chr10-112570195-A-T.
Other names: short protein forms R619W.
Identifiers: ClinVar variation 1995050 (VCV001995050.8), dbSNP rs1017649392, ClinGen allele CA213222447.